The following is an entry in ClinVar:

ClinVar aggregate classification (germline): Benign/Likely benign. Review status: criteria provided, multiple submitters, no conflicts (2 of 4 stars). 8 submissions from 8 submitters: Benign (1); Likely benign (7). Last evaluated 2026-02-13.

Conditions:
Hereditary sensory neuropathy-deafness-dementia syndrome. Also called: Hereditary Sensory and Autonomic Neuropathy Type 1E (HSAN1E); NEUROPATHY, HEREDITARY SENSORY, WITH HEARING LOSS AND DEMENTIA; Hereditary sensory neuropathy type IE; HSN IE. Identifiers: Orphanet 456318, MedGen C3279885, MONDO:0013584, OMIM 614116.
DNMT1-related disorder. Also called: DNMT1-related condition. Identifiers: MedGen CN381527.
Inborn genetic diseases. Identifiers: MedGen C0950123, MeSH D030342.

Allele frequency attached by ClinVar (database versions not stated): gnomAD exomes 0.00010 and 0.00017; gnomAD 0.00011 and 0.00012; ExAC 0.00012; TOPMed 0.00012; 1000 Genomes Project 30x 0.00016; 1000 Genomes Project 0.00020; ESP Exome Variant Server 0.00023.

Submissions (8):

PreventionGenetics, part of Exact Sciences
Classification: Likely benign for DNMT1-related condition. Last evaluated: 2026-02-13. Review status: criteria provided, single submitter. Criteria: ACMG Guidelines, 2015. Collection method: clinical testing. Allele origin: germline.
Comment: This variant is classified as likely benign based on ACMG/AMP sequence variant interpretation guidelines (Richards et al. 2015 PMID: 25741868, with internal and published modifications).

Labcorp Genetics (formerly Invitae), Labcorp
Classification: Benign for Hereditary sensory neuropathy-deafness-dementia syndrome. Last evaluated: 2025-12-14. Review status: criteria provided, single submitter. Criteria: Invitae Variant Classification Sherloc (09022015). Collection method: clinical testing. Allele origin: germline.

Mayo Clinic Laboratories, Mayo Clinic
Classification: Likely benign. Last evaluated: 2025-09-30. Review status: criteria provided, single submitter. Criteria: ACMG Guidelines, 2015. Collection method: clinical testing. Allele origin: germline. Observed: 1 variant allele.
Comment: BS2, BP4_moderate

CeGaT Center for Human Genetics Tuebingen
Classification: Likely benign. Last evaluated: 2025-09-01. Review status: criteria provided, single submitter. Criteria: CeGaT Center For Human Genetics Tuebingen Variant Classification Criteria Version 2. Collection method: clinical testing. Allele origin: germline. Affected: yes. Observed: 3 variant alleles.
Comment: DNMT1: BP4, BS1

Blueprint Genetics
Classification: Likely benign. Last evaluated: 2024-10-07. Review status: criteria provided, single submitter. Criteria: ACMG Guidelines, 2015. Collection method: clinical testing. Allele origin: germline.

Ambry Genetics
Classification: Likely benign for Inborn genetic diseases. Last evaluated: 2019-09-03. Review status: criteria provided, single submitter. Criteria: Ambry Variant Classification Scheme 2023. Collection method: clinical testing. Allele origin: germline.

Illumina Laboratory Services, Illumina
Classification: Likely benign for Hereditary sensory neuropathy-deafness-dementia syndrome. Last evaluated: 2018-01-12. Review status: criteria provided, single submitter. Criteria: ICSL Variant Classification Criteria 13 December 2019. Collection method: clinical testing. Allele origin: germline.
Comment: This variant was observed in the ICSL laboratory as part of a predisposition screen in an ostensibly healthy population. It had not been previously curated by ICSL or reported in the Human Gene Mutation Database (HGMD: prior to June 1st, 2018), and was therefore a candidate for classification through an automated scoring system. Utilizing variant allele frequency, disease prevalence and penetrance estimates, and inheritance mode, an automated score was calculated to assess if this variant is too frequent to cause the disease. Based on the score and internal cut-off values, a variant classified as likely benign is not then subjected to further curation. The score for this variant resulted in a classification of likely benign for this disease.

GeneDx
Classification: Likely benign. Last evaluated: 2017-10-12. Review status: criteria provided, single submitter. Criteria: GeneDx Variant Classification (06012015). Collection method: clinical testing. Allele origin: germline. Affected: yes.
Comment: This variant is considered likely benign or benign based on one or more of the following criteria: it is a conservative change, it occurs at a poorly conserved position in the protein, it is predicted to be benign by multiple in silico algorithms, and/or has population frequency not consistent with disease.

NM_001130823.3(DNMT1):c.977A>C (p.Gln326Pro)

Gene: DNMT1 (DNA methyltransferase 1; minus strand). Cytogenetic location: 19p13.2.
Variant type: single nucleotide variant.
Coding change: c.977A>C on transcript NM_001130823.3 (MANE Select); coding-DNA position 977, A replaced by C.
Protein change: p.Gln326Pro; replaces glutamine 326 with proline.
Molecular consequence: missense variant.
Genome position (GRCh38, 1-based): chr19:10,162,698, T>G on the plus strand (A>C on the coding strand, the complement: DNMT1 is on the minus strand). VCF-style: chr19-10162698-T-G. GRCh37 (hg19) VCF-style: chr19-10273374-T-G.
Other names: p.Gln326Pro; c.929A>C, p.Gln310Pro (NM_001318730.2, NM_001379.4); c.614A>C, p.Gln205Pro (NM_001318731.2); c.977A>C (NM_001130823.2, LRG_362t1); short protein forms Q326P, Q310P, Q205P.
Identifiers: ClinVar variation 327919 (VCV000327919.40), dbSNP rs143287044, ClinGen allele CA9188502.